The following is an entry in ClinVar:

NM_004364.5(CEBPA):c.977A>C (p.Lys326Thr)

Gene: CEBPA (CCAAT enhancer binding protein alpha; minus strand). Cytogenetic location: 19q13.11.
Variant type: single nucleotide variant.
Coding change: c.977A>C on transcript NM_004364.5 (MANE Select); coding-DNA position 977, A replaced by C.
Protein change: p.Lys326Thr; replaces lysine 326 with threonine.
Molecular consequence: missense variant.
Genome position (GRCh38, 1-based): chr19:33,301,438, T>G on the plus strand (A>C on the coding strand, the complement: CEBPA is on the minus strand). VCF-style: chr19-33301438-T-G. GRCh37 (hg19) VCF-style: chr19-33792344-T-G.
Other names: c.620A>C, p.Lys207Thr (NM_001285829.2); c.1082A>C, p.Lys361Thr (NM_001287424.2); c.935A>C, p.Lys312Thr (NM_001287435.2); short protein forms K207T, K312T, K326T, K361T.
Identifiers: ClinVar variation 5034277 (VCV005034277.1).
Genomic context (GRCh38, chr19:33,301,438, plus strand): 5'-GGCAGCTGGCGGAAGATGCCCCGCAGCGTGTCCAGTTCGCGGCTCAGCTGTTCCACCCGC[T>G]TGCGCAGGCGGTCATTGTCACTGGTCAGCTCCAGCACCTTCTGCTGCGTCTCCACGTTGC-3'
Protein context (NP_004355.2, residues 316-336): ELTSDNDRLR[Lys326Thr]RVEQLSRELD

ClinVar aggregate classification (germline): Uncertain significance (1 of 4 stars; one submission).

Conditions:
Inborn genetic diseases. Identifiers: MedGen C0950123, MeSH D030342.

Submission:

Ambry Genetics
Classification: Uncertain significance for Inborn genetic diseases. Last evaluated: 2026-07-06. Review status: criteria provided, single submitter. Criteria: Ambry Variant Classification Scheme 2023. Collection method: clinical testing. Allele origin: germline.
Comment: The p.K326T variant (also known as c.977A>C), located in coding exon 1 of the CEBPA gene, results from an A to C substitution at nucleotide position 977. The lysine at codon 326 is replaced by threonine, an amino acid with similar properties. This amino acid position is conserved. In addition, this alteration is predicted to be tolerated by in silico analysis. Based on the available evidence, the clinical significance of this variant remains unclear.